The following is an entry in ClinVar:

ClinVar aggregate classification (germline): Uncertain significance. Review status: criteria provided, multiple submitters, no conflicts (2 of 4 stars). 3 submissions from 3 submitters: Uncertain significance (3). Last evaluated 2026-03-10.

Conditions:
Usher syndrome type 3B. Also called: USHER SYNDROME, TYPE IIIB. Identifiers: MedGen C3281066, MONDO:0013788, OMIM 614504.

Allele frequency attached by ClinVar (database versions not stated): gnomAD exomes below 0.00001; gnomAD 0.00001; TOPMed 0.00001.
gnomAD v4.1: 5 of 1,614,014 alleles (0.00031%); highest among the groups gnomAD compares: African/African-American, 0.0013%; no homozygotes.

Submissions (3):

GeneDx
Classification: Uncertain significance. Last evaluated: 2026-03-10. Review status: criteria provided, single submitter. Criteria: GeneDx Variant Classification Process June 2021. Collection method: clinical testing. Allele origin: germline.
Comment: Not observed at significant frequency in large population cohorts (gnomAD); In silico analysis supports that this missense variant has a deleterious effect on protein structure/function; Has not been previously published as pathogenic or benign to our knowledge

Blueprint Genetics
Classification: Uncertain significance. Last evaluated: 2024-11-06. Review status: criteria provided, single submitter. Criteria: ACMG Guidelines, 2015. Collection method: clinical testing. Allele origin: germline.

Labcorp Genetics (formerly Invitae), Labcorp
Classification: Uncertain significance for Usher syndrome type 3B. Last evaluated: 2024-02-25. Review status: criteria provided, single submitter. Criteria: Invitae Variant Classification Sherloc (09022015). Collection method: clinical testing. Allele origin: germline.
Comment: This sequence change replaces arginine, which is basic and polar, with tryptophan, which is neutral and slightly polar, at codon 388 of the HARS protein (p.Arg388Trp). This variant is not present in population databases (gnomAD no frequency). This variant has not been reported in the literature in individuals affected with HARS-related conditions. ClinVar contains an entry for this variant (Variation ID: 1036589). Advanced modeling of protein sequence and biophysical properties (such as structural, functional, and spatial information, amino acid conservation, physicochemical variation, residue mobility, and thermodynamic stability) performed at Invitae indicates that this missense variant is expected to disrupt HARS protein function with a positive predictive value of 80%. In summary, the available evidence is currently insufficient to determine the role of this variant in disease. Therefore, it has been classified as a Variant of Uncertain Significance.

NM_002109.6(HARS1):c.1162C>T (p.Arg388Trp)

Gene: HARS1 (histidyl-tRNA synthetase 1; minus strand). Cytogenetic location: 5q31.3.
Variant type: single nucleotide variant.
Coding change: c.1162C>T on transcript NM_002109.6 (MANE Select); coding-DNA position 1162, C replaced by T.
Protein change: p.Arg388Trp; replaces arginine 388 with tryptophan.
Molecular consequence: missense variant.
Genome position (GRCh38, 1-based): chr5:140,676,686, G>A on the plus strand (C>T on the coding strand, the complement: HARS1 is on the minus strand). VCF-style: chr5-140676686-G-A. GRCh37 (hg19) VCF-style: chr5-140056271-G-A.
Other names: c.1042C>T, p.Arg348Trp (NM_001258040.3); c.1102C>T, p.Arg368Trp (NM_001258041.3); c.982C>T, p.Arg328Trp (NM_001258042.3); c.940C>T, p.Arg314Trp (NM_001289092.2); c.820C>T, p.Arg274Trp (NM_001289093.2); c.1075C>T, p.Arg359Trp (NM_001289094.2); c.1162C>T (NM_002109.5); short protein forms R274W, R348W, R368W, R359W, R314W, R328W, R388W.
Identifiers: ClinVar variation 1036589 (VCV001036589.9), dbSNP rs761949872, ClinGen allele CA128377382.